The following is an entry in ClinVar:

ClinVar aggregate classification (germline): Uncertain significance. Review status: criteria provided, multiple submitters, no conflicts (2 of 4 stars). 2 submissions from 2 submitters: Uncertain significance (2). Last evaluated 2025-03-04.

Conditions:
X-linked lymphoproliferative disease due to SH2D1A deficiency (XLP1). Also called: DUNCAN DISEASE; IMMUNODEFICIENCY 5; IMMUNODEFICIENCY, X-LINKED PROGRESSIVE COMBINED VARIABLE; INFECTIOUS MONONUCLEOSIS, SEVERE, SUSCEPTIBILITY TO; PURTILO SYNDROME; SH2D1A-Related Lymphoproliferative Disease, X-Linked. Identifiers: Orphanet 2442, Orphanet 538931, MedGen C5399825, MONDO:0024551, OMIM 308240.
SH2D1A-related disorder. Also called: SH2D1A-related condition.

Allele frequency attached by ClinVar (database versions not stated): gnomAD exomes 0.00002 and 0.00001; ExAC 0.00001; TOPMed 0.00001.
gnomAD v4.1: 20 of 1,202,816 alleles (0.0017%); highest among the groups gnomAD compares: Non-Finnish European, 0.0021%; no homozygotes.

Submissions (2):

PreventionGenetics, part of Exact Sciences
Classification: Uncertain significance for SH2D1A-related condition. Last evaluated: 2025-03-04. Review status: criteria provided, single submitter. Criteria: ACMG Guidelines, 2015. Collection method: clinical testing. Allele origin: germline.
Comment: The SH2D1A c.337+1G>T variant is predicted to disrupt the GT donor site and interfere with normal splicing. To our knowledge, this variant has not been reported in the literature in individuals with SH2D1A-related disease. On an alternate transcript (NM_002351) this variant is known as c.338G>T (p.Gly113Val). This variant is reported in 0.0076% of alleles in individuals of African descent in gnomAD, and in one homozygote of European (Non-Finnish) descent. At this time, the clinical significance of this variant is uncertain due to the absence of conclusive functional and genetic evidence.

Labcorp Genetics (formerly Invitae), Labcorp
Classification: Uncertain significance for X-linked lymphoproliferative disease due to SH2D1A deficiency. Last evaluated: 2024-08-05. Review status: criteria provided, single submitter. Criteria: Invitae Variant Classification Sherloc (09022015). Collection method: clinical testing. Allele origin: germline.
Comment: This sequence change replaces glycine, which is neutral and non-polar, with valine, which is neutral and non-polar, at codon 113 of the SH2D1A protein (p.Gly113Val). This variant is present in population databases (rs757900199, gnomAD 0.008%), including at least one homozygous and/or hemizygous individual. This variant has not been reported in the literature in individuals affected with SH2D1A-related conditions. ClinVar contains an entry for this variant (Variation ID: 1425284). An algorithm developed to predict the effect of missense changes on protein structure and function (PolyPhen-2) suggests that this variant is likely to be disruptive. In summary, the available evidence is currently insufficient to determine the role of this variant in disease. Therefore, it has been classified as a Variant of Uncertain Significance.

NM_002351.5(SH2D1A):c.338G>T (p.Gly113Val)

Gene: SH2D1A (SH2 domain containing 1A; plus strand). Cytogenetic location: Xq25.
Variant type: single nucleotide variant.
Coding change: c.338G>T on transcript NM_002351.5 (MANE Select); coding-DNA position 338, G replaced by T.
Protein change: p.Gly113Val; replaces glycine 113 with valine.
Molecular consequence: missense variant. On other transcripts: splice donor variant (1).
Genome position (GRCh38, 1-based): chrX:124,370,312, G>T. VCF-style: chrX-124370312-G-T. GRCh37 (hg19) VCF-style: chrX-123504162-G-T.
Other names: c.337+1G>T (NM_001114937.3, NM_001114937.2); short protein forms G113V.
Identifiers: ClinVar variation 1425284 (VCV001425284.7), dbSNP rs757900199, ClinGen allele CA10509286.